The following is an entry in ClinVar:

NM_000414.4(HSD17B4):c.822G>A (p.Lys274=)

Gene: HSD17B4 (hydroxysteroid 17-beta dehydrogenase 4; plus strand). Cytogenetic location: 5q23.1.
Variant type: single nucleotide variant.
Coding change: c.822G>A on transcript NM_000414.4 (MANE Select); coding-DNA position 822, G replaced by A.
Protein change: p.Lys274=; no amino-acid change (lysine 274 retained).
Molecular consequence: synonymous variant. On other transcripts: non-coding transcript variant (2).
Genome position (GRCh38, 1-based): chr5:119,493,900, G>A. VCF-style: chr5-119493900-G-A. GRCh37 (hg19) VCF-style: chr5-118829595-G-A.
Other names: c.897G>A, p.Lys299= (NM_001199291.3); c.768G>A, p.Lys256= (NM_001199292.2); c.750G>A, p.Lys250= (NM_001292027.2); c.402G>A, p.Lys134= (NM_001292028.2); c.813G>A, p.Lys271= (NM_001374497.1); c.822G>A, p.Lys274= (NM_001374498.1); c.495G>A, p.Lys165= (NM_001374499.1); c.381G>A, p.Lys127= (NM_001374500.1); and 2 more.
Identifiers: ClinVar variation 1158845 (VCV001158845.11), dbSNP rs141216594, ClinGen allele CA3381992.
Genomic context (GRCh38, chr5:119,493,900, plus strand): 5'-AGCTATTGTAAGACAAAAGAATCACCCAATGACTCCTGAGGCAGTCAAGGCTAACTGGAA[G>A]AAGATCTGTGACTTTGAGAATGCCAGCAAGCCTCAGAGTATCCAAGGTAAAGAGAGTCCC-3'
Protein context (NP_000405.1, residues 264-284): MTPEAVKANW[Lys274=]KICDFENASK

ClinVar aggregate classification (germline): Likely benign. Review status: criteria provided, single submitter (1 of 4 stars). 2 submissions from 2 submitters: Likely benign (1). 1 of the submissions does not count toward it. Last evaluated 2026-01-20.

Conditions:
HSD17B4-related disorder. Also called: HSD17B4-related condition; HSD17B4-related disorders.
Bifunctional peroxisomal enzyme deficiency (DBIF). Also called: DBP DEFICIENCY; D-bifunctional protein deficiency; PBFE DEFICIENCY. Identifiers: Orphanet 300, MedGen C0342870, MONDO:0009855, OMIM 261515. Disease mechanism: loss of function.
Perrault syndrome. Also called: Gonadal dysgenesis with auditory dysfunction, autosomal recessive inheritance. Identifiers: Orphanet 2855, MedGen C0685838, MONDO:0017312.

Allele frequency attached by ClinVar (database versions not stated): gnomAD exomes 0.00002 and 0.00007; ExAC 0.00007; ESP Exome Variant Server 0.00023; gnomAD 0.00024 and 0.00029; TOPMed 0.00025.
gnomAD v4.1: 68 of 1,613,298 alleles (0.0042%); highest among the groups gnomAD compares: African/African-American, 0.089%; no homozygotes.

Submissions (2):

Labcorp Genetics (formerly Invitae), Labcorp
Classification: Likely benign for Perrault syndrome; Bifunctional peroxisomal enzyme deficiency. Last evaluated: 2026-01-20. Review status: criteria provided, single submitter. Criteria: Invitae Variant Classification Sherloc (09022015). Collection method: clinical testing. Allele origin: germline.

PreventionGenetics, part of Exact Sciences
Classification: Likely benign for HSD17B4-related condition. Last evaluated: 2021-05-11. Review status: no assertion criteria provided. Collection method: clinical testing. Allele origin: germline. Not counted in ClinVar's aggregate classification.
Comment: This variant is classified as likely benign based on ACMG/AMP sequence variant interpretation guidelines (Richards et al. 2015 PMID: 25741868, with internal and published modifications).